The following is an entry in ClinVar:

ClinVar aggregate classification (germline): Uncertain significance (1 of 4 stars; one submission).

Submission:

GeneDx
Classification: Uncertain significance. Last evaluated: 2025-02-28. Review status: criteria provided, single submitter. Criteria: GeneDx Variant Classification Process June 2021. Collection method: clinical testing. Allele origin: germline. Affected: yes.
Comment: Not observed at significant frequency in large population cohorts (gnomAD); In silico analysis supports that this missense variant has a deleterious effect on protein structure/function; Has not been previously published as pathogenic or benign to our knowledge

NM_001145358.2(SIN3A):c.2093G>A (p.Arg698Lys)

Gene: SIN3A (SIN3 transcription regulator family member A; minus strand). Cytogenetic location: 15q24.2.
Variant type: single nucleotide variant.
Coding change: c.2093G>A on transcript NM_001145358.2 (MANE Select); coding-DNA position 2093, G replaced by A.
Protein change: p.Arg698Lys; replaces arginine 698 with lysine.
Molecular consequence: missense variant.
Genome position (GRCh38, 1-based): chr15:75,396,258, C>T on the plus strand (G>A on the coding strand, the complement: SIN3A is on the minus strand). VCF-style: chr15-75396258-C-T. GRCh37 (hg19) VCF-style: chr15-75688599-C-T.
Other names: c.2093G>A, p.Arg698Lys (NM_001145357.2, NM_001437462.1, NM_001437463.1 and 1 more transcripts); short protein forms R698K.
Identifiers: ClinVar variation 4077197 (VCV004077197.1).
Genomic context (GRCh38, chr15:75,396,258, plus strand): 5'-TGAGACACTGAACCGGTAGTGAAGTACACTAAAGCACTAAGGGCACATTTGCTCATGTAC[C>T]TTTTAAGGACAATTGGAACAGCAATGGAGGGATTCTTTCTCAGACCATCAATGATGTCAG-3'
Protein context (NP_001138830.1, residues 688-708): PSIAVPIVLK[Arg698Lys]LKMKEEEWRE